The following is an entry in ClinVar:

NM_018127.7(ELAC2):c.1745A>G (p.Asn582Ser)

Gene: ELAC2 (elaC ribonuclease Z 2; minus strand). Cytogenetic location: 17p12.
Variant type: single nucleotide variant.
Coding change: c.1745A>G on transcript NM_018127.7 (MANE Select); coding-DNA position 1745, A replaced by G.
Protein change: p.Asn582Ser; replaces asparagine 582 with serine.
Molecular consequence: missense variant.
Genome position (GRCh38, 1-based): chr17:12,995,766, T>C on the plus strand (A>G on the coding strand, the complement: ELAC2 is on the minus strand). VCF-style: chr17-12995766-T-C. GRCh37 (hg19) VCF-style: chr17-12899083-T-C.
Other names: c.1625A>G, p.Asn542Ser (NM_001165962.2); c.1742A>G, p.Asn581Ser (NM_173717.2); c.1745A>G (NM_018127.6); short protein forms N581S, N542S, N582S.
Identifiers: ClinVar variation 2086710 (VCV002086710.2), dbSNP rs531134200, ClinGen allele CA8401075.

ClinVar aggregate classification (germline): Uncertain significance. Review status: criteria provided, multiple submitters, no conflicts (2 of 4 stars). 2 submissions from 2 submitters: Uncertain significance (2). Last evaluated 2025-02-08.

Conditions:
Combined oxidative phosphorylation defect type 17. Also called: Combined oxidative phosphorylation deficiency 17. Identifiers: Orphanet 369913, MedGen C3809526, MONDO:0014190, OMIM 615440.
Inborn genetic diseases. Identifiers: MedGen C0950123, MeSH D030342.

Allele frequency attached by ClinVar (database versions not stated): ExAC 0.00001; gnomAD 0.00001; TOPMed 0.00001; 1000 Genomes Project 30x 0.00016; 1000 Genomes Project 0.00020.
gnomAD v4.1: 16 of 1,613,066 alleles (0.00099%); highest among the groups gnomAD compares: African/African-American, 0.0067%; no homozygotes.

Submissions (2):

Ambry Genetics
Classification: Uncertain significance for Inborn genetic diseases. Last evaluated: 2025-02-08. Review status: criteria provided, single submitter. Criteria: Ambry Variant Classification Scheme 2023. Collection method: clinical testing. Allele origin: germline.

Labcorp Genetics (formerly Invitae), Labcorp
Classification: Uncertain significance for Combined oxidative phosphorylation defect type 17. Last evaluated: 2022-04-06. Review status: criteria provided, single submitter. Criteria: Invitae Variant Classification Sherloc (09022015). Collection method: clinical testing. Allele origin: germline.
Comment: This sequence change replaces asparagine, which is neutral and polar, with serine, which is neutral and polar, at codon 582 of the ELAC2 protein (p.Asn582Ser). This variant is present in population databases (rs531134200, gnomAD 0.003%). This variant has not been reported in the literature in individuals affected with ELAC2-related conditions. Algorithms developed to predict the effect of missense changes on protein structure and function output the following: SIFT: "Tolerated"; PolyPhen-2: "Benign"; Align-GVGD: "Class C0". The serine amino acid residue is found in multiple mammalian species, which suggests that this missense change does not adversely affect protein function. In summary, the available evidence is currently insufficient to determine the role of this variant in disease. Therefore, it has been classified as a Variant of Uncertain Significance.